The following is an entry in ClinVar:

ClinVar aggregate classification (germline): Uncertain significance (1 of 4 stars; one submission).

Conditions:
Inborn genetic diseases. Identifiers: MedGen C0950123, MeSH D030342.

Submission:

Ambry Genetics
Classification: Uncertain significance for Inborn genetic diseases. Last evaluated: 2025-10-28. Review status: criteria provided, single submitter. Criteria: Ambry Variant Classification Scheme 2023. Collection method: clinical testing. Allele origin: germline.
Comment: The p.I304T variant (also known as c.911T>C), located in coding exon 5 of the ETV6 gene, results from a T to C substitution at nucleotide position 911. The isoleucine at codon 304 is replaced by threonine, an amino acid with similar properties. This amino acid position is conserved. In addition, this alteration is predicted to be tolerated by in silico analysis. Based on the available evidence, the clinical significance of this variant remains unclear.

NM_001987.5(ETV6):c.911T>C (p.Ile304Thr)

Gene: ETV6 (ETS variant transcription factor 6; plus strand). Cytogenetic location: 12p13.2.
Variant type: single nucleotide variant.
Coding change: c.911T>C on transcript NM_001987.5 (MANE Select); coding-DNA position 911, T replaced by C.
Protein change: p.Ile304Thr; replaces isoleucine 304 with threonine.
Molecular consequence: missense variant.
Genome position (GRCh38, 1-based): chr12:11,869,871, T>C. VCF-style: chr12-11869871-T-C. GRCh37 (hg19) VCF-style: chr12-12022805-T-C.
Other names: c.908T>C, p.Ile303Thr (NM_001413913.1); c.884T>C, p.Ile295Thr (NM_001413914.1); c.647T>C, p.Ile216Thr (NM_001413915.1); c.911T>C, p.Ile304Thr (NM_001413916.1, NM_001413917.1); short protein forms I304T, I303T, I216T, I295T.
Identifiers: ClinVar variation 4618862 (VCV004618862.1).
Genomic context (GRCh38, chr12:11,869,871, plus strand): 5'-CCGTGGATTTCAAACAGTCCAGGCTCTCCGAGGACGGGCTGCATAGGGAAGGGAAGCCCA[T>C]CAACCTCTCTCATCGGGAAGACCTGGCTTACATGAACCACATCATGGTCTCTGTCTCCCC-3'
Protein context (NP_001978.1, residues 294-314): EDGLHREGKP[Ile304Thr]NLSHREDLAY